The following is an entry in ClinVar:

ClinVar aggregate classification (germline): Uncertain significance (1 of 4 stars; one submission).

Allele frequency attached by ClinVar (database versions not stated): gnomAD exomes below 0.00001.
gnomAD v4.1: 4 of 1,614,020 alleles (0.00025%); highest among the groups gnomAD compares: Non-Finnish European, 0.00034%; no homozygotes.

Submission:

Labcorp Genetics (formerly Invitae), Labcorp
Classification: Uncertain significance. Last evaluated: 2023-06-29. Review status: criteria provided, single submitter. Criteria: Invitae Variant Classification Sherloc (09022015). Collection method: clinical testing. Allele origin: germline.
Comment: In summary, the available evidence is currently insufficient to determine the role of this variant in disease. Therefore, it has been classified as a Variant of Uncertain Significance. Algorithms developed to predict the effect of missense changes on protein structure and function output the following: SIFT: "Not Available"; PolyPhen-2: "Benign"; Align-GVGD: "Not Available". The valine amino acid residue is found in multiple mammalian species, which suggests that this missense change does not adversely affect protein function. ClinVar contains an entry for this variant (Variation ID: 2097294). This variant has not been reported in the literature in individuals affected with ELOVL4-related conditions. This variant is not present in population databases (gnomAD no frequency). This sequence change replaces isoleucine, which is neutral and non-polar, with valine, which is neutral and non-polar, at codon 224 of the ELOVL4 protein (p.Ile224Val).

NM_022726.4(ELOVL4):c.670A>G (p.Ile224Val)

Gene: ELOVL4 (ELOVL fatty acid elongase 4; minus strand). Cytogenetic location: 6q14.1.
Variant type: single nucleotide variant.
Coding change: c.670A>G on transcript NM_022726.4 (MANE Select); coding-DNA position 670, A replaced by G.
Protein change: p.Ile224Val; replaces isoleucine 224 with valine.
Molecular consequence: missense variant.
Genome position (GRCh38, 1-based): chr6:79,916,883, T>C on the plus strand (A>G on the coding strand, the complement: ELOVL4 is on the minus strand). VCF-style: chr6-79916883-T-C. GRCh37 (hg19) VCF-style: chr6-80626600-T-C.
Other names: short protein forms I224V.
Identifiers: ClinVar variation 2097294 (VCV002097294.4), dbSNP rs1774172534, ClinGen allele CA364656108.